The following is an entry in ClinVar:

NM_001261826.3(AP3D1):c.2488C>T (p.Pro830Ser)

Gene: AP3D1 (adaptor related protein complex 3 subunit delta 1; minus strand). Cytogenetic location: 19p13.3.
Variant type: single nucleotide variant.
Coding change: c.2488C>T on transcript NM_001261826.3 (MANE Select); coding-DNA position 2488, C replaced by T.
Protein change: p.Pro830Ser; replaces proline 830 with serine.
Molecular consequence: missense variant.
Genome position (GRCh38, 1-based): chr19:2,114,238, G>A on the plus strand (C>T on the coding strand, the complement: AP3D1 is on the minus strand). VCF-style: chr19-2114238-G-A. GRCh37 (hg19) VCF-style: chr19-2114237-G-A.
Other names: c.2488C>T, p.Pro830Ser (NM_001374799.1, NM_003938.8); short protein forms P830S.
Identifiers: ClinVar variation 4754255 (VCV004754255.1).

ClinVar aggregate classification (germline): Uncertain significance (1 of 4 stars; one submission).

gnomAD v4.1: 3 of 1,613,406 alleles (0.00019%); highest among the groups gnomAD compares: African/African-American, 0.0027%; no homozygotes.

Submission:

Labcorp Genetics (formerly Invitae), Labcorp
Classification: Uncertain significance. Last evaluated: 2025-12-19. Review status: criteria provided, single submitter. Criteria: Invitae Variant Classification Sherloc (09022015). Collection method: clinical testing. Allele origin: germline.
Comment: This sequence change replaces proline, which is neutral and non-polar, with serine, which is neutral and polar, at codon 830 of the AP3D1 protein (p.Pro830Ser). This variant is not present in population databases (gnomAD no frequency). This variant has not been reported in the literature in individuals affected with AP3D1-related conditions. An algorithm developed to predict the effect of missense changes on protein structure and function (PolyPhen-2) suggests that this variant is likely to be tolerated. In summary, the available evidence is currently insufficient to determine the role of this variant in disease. Therefore, it has been classified as a Variant of Uncertain Significance.